The following is an entry in ClinVar:

NM_017617.5(NOTCH1):c.3970G>A (p.Val1324Met)

Gene: NOTCH1 (notch receptor 1; minus strand). Cytogenetic location: 9q34.3.
Variant type: single nucleotide variant.
Coding change: c.3970G>A on transcript NM_017617.5 (MANE Select); coding-DNA position 3970, G replaced by A.
Protein change: p.Val1324Met; replaces valine 1324 with methionine.
Molecular consequence: missense variant.
Genome position (GRCh38, 1-based): chr9:136,506,571, C>T on the plus strand (G>A on the coding strand, the complement: NOTCH1 is on the minus strand). VCF-style: chr9-136506571-C-T. GRCh37 (hg19) VCF-style: chr9-139401023-C-T.
Other names: c.3970G>A, p.Val1324Met (LRG_1122t1); c.3970G>A (NM_017617.4); short protein forms V1324M.
Identifiers: ClinVar variation 264613 (VCV000264613.28), dbSNP rs149057410, ClinGen allele CA5340744.
Genomic context (GRCh38, chr9:136,506,571, plus strand): 5'-GCACCCCTGCACCTACCGCAGGGCACTTGCAGATGAACCCGCGGGCGGTGTTGGAGGCCA[C>T]GGCGCAGGTGCCCCCATTCTTGCAGGGCTTGCCTTTGCAGCCATTGATGACGGACTCGCA-3'
Protein context (NP_060087.3, residues 1314-1334): KPCKNGGTCA[Val1324Met]ASNTARGFIC

ClinVar aggregate classification (germline): Conflicting classifications of pathogenicity. Review status: criteria provided, conflicting classifications (1 of 4 stars). 6 submissions from 6 submitters: Uncertain significance (1); Likely benign (5). Last evaluated 2026-02-02.

Conditions:
NOTCH1-related disorder. Also called: NOTCH1-related disorders; NOTCH1-related condition.
Adams-Oliver syndrome 5 (AOS5). Identifiers: Orphanet 974, MedGen C4014970, MONDO:0014459, OMIM 616028.
Familial thoracic aortic aneurysm and aortic dissection (TAAD). Also called: Thoracic aortic aneurysms and dissections. Identifiers: Orphanet 91387, MedGen C4707243, MONDO:0019625.

Allele frequency attached by ClinVar (database versions not stated): 1000 Genomes Project 0.00040; 1000 Genomes Project 30x 0.00047; gnomAD 0.00048; ESP Exome Variant Server 0.00049; TOPMed 0.00062.
gnomAD v4.1: 145 of 1,610,470 alleles (0.009%); highest among the groups gnomAD compares: African/African-American, 0.15%; no homozygotes.

Submissions (6):

Labcorp Genetics (formerly Invitae), Labcorp
Classification: Likely benign for Adams-Oliver syndrome 5. Last evaluated: 2026-02-02. Review status: criteria provided, single submitter. Criteria: Invitae Variant Classification Sherloc (09022015). Collection method: clinical testing. Allele origin: germline.

CeGaT Center for Human Genetics Tuebingen
Classification: Likely benign. Last evaluated: 2025-10-01. Review status: criteria provided, single submitter. Criteria: CeGaT Center For Human Genetics Tuebingen Variant Classification Criteria Version 2. Collection method: clinical testing. Allele origin: germline. Affected: yes. Observed: 1 variant allele.
Comment: NOTCH1: BS2

PreventionGenetics, part of Exact Sciences
Classification: Likely benign for NOTCH1-related condition. Last evaluated: 2025-03-27. Review status: criteria provided, single submitter. Criteria: ACMG Guidelines, 2015. Collection method: clinical testing. Allele origin: germline.
Comment: This variant is classified as likely benign based on ACMG/AMP sequence variant interpretation guidelines (Richards et al. 2015 PMID: 25741868, with internal and published modifications).

Ambry Genetics
Classification: Likely benign for Familial thoracic aortic aneurysm and aortic dissection. Last evaluated: 2024-11-15. Review status: criteria provided, single submitter. Criteria: Ambry Variant Classification Scheme 2023. Collection method: clinical testing. Allele origin: germline.

Revvity Omics, Revvity
Classification: Uncertain significance. Last evaluated: 2020-03-16. Review status: criteria provided, single submitter. Criteria: ACMG Guidelines, 2015. Collection method: clinical testing. Allele origin: germline.

GeneDx
Classification: Likely benign. Last evaluated: 2019-06-04. Review status: criteria provided, single submitter. Criteria: GeneDx Variant Classification Process June 2021. Collection method: clinical testing. Allele origin: germline. Affected: yes.